The following is an entry in ClinVar:

NM_001123396.4(CCR2):c.190G>A (p.Val64Ile)

Gene: CCR2 (C-C motif chemokine receptor 2; plus strand). Cytogenetic location: 3p21.31.
Variant type: single nucleotide variant.
Coding change: c.190G>A on transcript NM_001123396.4 (MANE Select); coding-DNA position 190, G replaced by A.
Protein change: p.Val64Ile; replaces valine 64 with isoleucine.
Molecular consequence: missense variant.
Genome position (GRCh38, 1-based): chr3:46,357,717, G>A. VCF-style: chr3-46357717-G-A. GRCh37 (hg19) VCF-style: chr3-46399208-G-A.
Other names: c.190G>A, p.Val64Ile (NM_001123041.3); c.190G>A (NM_001123041.2); short protein forms V64I.
Identifiers: ClinVar variation 8267 (VCV000008267.3), dbSNP rs1799864, ClinGen allele CA119415.

ClinVar aggregate classification (germline): Benign; protective. Review status: no assertion criteria provided (0 of 4 stars). 2 submissions from 2 submitters: Benign (1). Last evaluated 2019-10-18.

Conditions:
Susceptibility to HIV infection. Also called: Human immunodeficiency virus type 1, susceptibility to; HIV-1, SUSCEPTIBILITY TO; HUMAN IMMUNODEFICIENCY VIRUS TYPE 1, RESISTANCE TO. Identifiers: MedGen C1836230, MONDO:0004951, OMIM 609423.
CCR2-related disorder. Also called: CCR2-related condition.

Allele frequency attached by ClinVar (database versions not stated): gnomAD 0.11966 and 0.12119; gnomAD exomes 0.12654; ExAC 0.12671; TOPMed 0.13206; 1000 Genomes Project 0.15375; 1000 Genomes Project 30x 0.15443.
gnomAD v4.1: 156,284 of 1,613,940 alleles (9.7%); highest among the groups gnomAD compares: East Asian, 24%; 9,257 homozygotes.

Submissions (2):

PreventionGenetics, part of Exact Sciences
Classification: Benign for CCR2-related condition. Last evaluated: 2019-10-18. Review status: no assertion criteria provided. Collection method: clinical testing. Allele origin: germline.
Comment: This variant is classified as benign based on ACMG/AMP sequence variant interpretation guidelines (Richards et al. 2015 PMID: 25741868, with internal and published modifications).

OMIM
Classification: protective for HUMAN IMMUNODEFICIENCY VIRUS TYPE 1, RESISTANCE TO. Last evaluated: 2015-05-18. Review status: no assertion criteria provided. Collection method: literature only. Allele origin: germline.

Literature cited by the submitters: PubMed 9252328 (cited by OMIM); PubMed 9662369 (cited by OMIM).